The following is an entry in ClinVar:

NM_002447.4(MST1R):c.825C>T (p.Ala275=)

Gene: MST1R (macrophage stimulating 1 receptor; minus strand). Cytogenetic location: 3p21.31.
Variant type: single nucleotide variant.
Coding change: c.825C>T on transcript NM_002447.4 (MANE Select); coding-DNA position 825, C replaced by T.
Protein change: p.Ala275=; no amino-acid change (alanine 275 retained).
Molecular consequence: synonymous variant. On other transcripts: non-coding transcript variant (1).
Genome position (GRCh38, 1-based): chr3:49,902,785, G>A on the plus strand (C>T on the coding strand, the complement: MST1R is on the minus strand). VCF-style: chr3-49902785-G-A. GRCh37 (hg19) VCF-style: chr3-49940218-G-A.
Other names: c.825C>T, p.Ala275= (NM_001244937.3, NM_001318913.2).
Identifiers: ClinVar variation 2653849 (VCV002653849.24), dbSNP rs200038223, ClinGen allele CA2409389.
Genomic context (GRCh38, chr3:49,902,785, plus strand): 5'-CTCCCGATAGTCACCCAACTCTGGCTCAGTGGCGCTAAGCCGTGCCAGGCGTGTGTGCAG[G>A]GCACTAGGATCATCTGTCACGCTGGCCGGCTGTACAGTCAGGAAGTATACGAAGGCTCCC-3'
Protein context (NP_002438.2, residues 265-285): QPASVTDDPS[Ala275=]LHTRLARLSA

ClinVar aggregate classification (germline): Likely benign (1 of 4 stars; one submission).

Allele frequency attached by ClinVar (database versions not stated): ESP Exome Variant Server 0.00015; 1000 Genomes Project 30x 0.00016; ExAC 0.00018; 1000 Genomes Project 0.00020; gnomAD exomes 0.00020; gnomAD 0.00021; TOPMed 0.00024.
gnomAD v4.1: 370 of 1,613,920 alleles (0.023%); highest among the groups gnomAD compares: Middle Eastern, 0.66%; 2 homozygotes.

Submission:

CeGaT Center for Human Genetics Tuebingen
Classification: Likely benign. Last evaluated: 2023-02-01. Review status: criteria provided, single submitter. Criteria: CeGaT Center For Human Genetics Tuebingen Variant Classification Criteria Version 2. Collection method: clinical testing. Allele origin: germline. Affected: yes. Observed: 1 variant allele.
Comment: MST1R: BP4, BP7